The following is an entry in ClinVar:

ClinVar aggregate classification (germline): Likely benign (1 of 4 stars; one submission).

Allele frequency attached by ClinVar (database versions not stated): TOPMed below 0.00001; ExAC 0.00001; gnomAD 0.00001.
gnomAD v4.1: 1 of 1,454,004 alleles (0.000069%); highest among the groups gnomAD compares: Admixed American, 0.0017%; no homozygotes.

Submission:

Women's Health and Genetics/Laboratory Corporation of America, LabCorp
Classification: Likely benign. Last evaluated: 2023-09-08. Review status: criteria provided, single submitter. Criteria: LabCorp Variant Classification Summary - May 2015. Collection method: clinical testing. Allele origin: germline.
Comment: Variant summary: PMM2 c.639+15G>C alters a non-conserved nucleotide located at a position not widely known to affect splicing. Consensus agreement among computation tools predict no significant impact on normal splicing. However, these predictions have yet to be confirmed by functional studies. The variant allele was found at a frequency of 4e-06 in 251462 control chromosomes (gnomAD). The available data on variant occurrences in the general population are insufficient to allow any conclusion about variant significance. To our knowledge, no occurrence of c.639+15G>C in individuals affected with Congenital Disorder Of Glycosylation Type 1a and no experimental evidence demonstrating its impact on protein function have been reported. No submitters have cited clinical-significance assessments for this variant to ClinVar after 2014. Based on the evidence outlined above, the variant was classified as likely benign.

NM_000303.3(PMM2):c.639+15G>C

Gene: PMM2 (phosphomannomutase 2; plus strand). Cytogenetic location: 16p13.2.
Variant type: single nucleotide variant.
Coding change: c.639+15G>C on transcript NM_000303.3 (MANE Select); 15 bases into the intron after coding-DNA position 639, G replaced by C.
Molecular consequence: intron variant.
Genome position (GRCh38, 1-based): chr16:8,813,121, G>C. VCF-style: chr16-8813121-G-C. GRCh37 (hg19) VCF-style: chr16-8906978-G-C.
Identifiers: ClinVar variation 2627161 (VCV002627161.1), dbSNP rs1555449820, ClinGen allele CA7894156.